The following is an entry in ClinVar:

NM_001130144.3(LTBP3):c.2919C>G (p.Asp973Glu)

Gene: LTBP3 (latent transforming growth factor beta binding protein 3; minus strand). Cytogenetic location: 11q13.1.
Variant type: single nucleotide variant.
Coding change: c.2919C>G on transcript NM_001130144.3 (MANE Select); coding-DNA position 2919, C replaced by G.
Protein change: p.Asp973Glu; replaces aspartic acid 973 with glutamic acid.
Molecular consequence: missense variant.
Genome position (GRCh38, 1-based): chr11:65,540,929, G>C on the plus strand (C>G on the coding strand, the complement: LTBP3 is on the minus strand). VCF-style: chr11-65540929-G-C. GRCh37 (hg19) VCF-style: chr11-65308400-G-C.
Other names: c.2568C>G, p.Asp856Glu (NM_001164266.1); c.2919C>G, p.Asp973Glu (NM_021070.4); short protein forms D973E, D856E.
Identifiers: ClinVar variation 565321 (VCV000565321.10), dbSNP rs145041278, ClinGen allele CA6100434.

ClinVar aggregate classification (germline): Uncertain significance. Review status: criteria provided, multiple submitters, no conflicts (2 of 4 stars). 3 submissions from 3 submitters: Uncertain significance (3). Last evaluated 2026-01-05.

Conditions:
Inborn genetic diseases. Identifiers: MedGen C0950123, MeSH D030342.
Brachyolmia-amelogenesis imperfecta syndrome. Also called: Tooth agenesis, selective, 6; Dental anomalies and short stature; PLATYSPONDYLY WITH AMELOGENESIS IMPERFECTA. Identifiers: Orphanet 2899, MedGen C1832594, MONDO:0011018, OMIM 601216. Disease mechanism: loss of function.

Allele frequency attached by ClinVar (database versions not stated): ExAC 0.00008; gnomAD 0.00009 and 0.00010; TOPMed 0.00012.
gnomAD v4.1: 150 of 1,613,588 alleles (0.0093%); highest among the groups gnomAD compares: Middle Eastern, 0.083%; no homozygotes.

Submissions (3):

Labcorp Genetics (formerly Invitae), Labcorp
Classification: Uncertain significance for Brachyolmia-amelogenesis imperfecta syndrome. Last evaluated: 2026-01-05. Review status: criteria provided, single submitter. Criteria: Invitae Variant Classification Sherloc (09022015). Collection method: clinical testing. Allele origin: germline.
Comment: This sequence change replaces aspartic acid, which is acidic and polar, with glutamic acid, which is acidic and polar, at codon 973 of the LTBP3 protein (p.Asp973Glu). This variant is present in population databases (rs145041278, gnomAD 0.02%). This variant has not been reported in the literature in individuals affected with LTBP3-related conditions. ClinVar contains an entry for this variant (Variation ID: 565321). An algorithm developed to predict the effect of missense changes on protein structure and function (PolyPhen-2) suggests that this variant is likely to be disruptive. In summary, the available evidence is currently insufficient to determine the role of this variant in disease. Therefore, it has been classified as a Variant of Uncertain Significance.

Blueprint Genetics
Classification: Uncertain significance. Last evaluated: 2024-09-12. Review status: criteria provided, single submitter. Criteria: ACMG Guidelines, 2015. Collection method: clinical testing. Allele origin: germline.

Ambry Genetics
Classification: Uncertain significance for Inborn genetic diseases. Last evaluated: 2023-06-26. Review status: criteria provided, single submitter. Criteria: Ambry Variant Classification Scheme 2023. Collection method: clinical testing. Allele origin: germline.